The following is an entry in ClinVar:

ClinVar aggregate classification (germline): Likely benign. Review status: criteria provided, single submitter (1 of 4 stars). 2 submissions from 2 submitters: Likely benign (1). 1 of the submissions does not count toward it. Last evaluated 2022-03-15.

Conditions:
USH1G-related disorder. Also called: USH1G-related condition; USH1G-related disorders.

Allele frequency attached by ClinVar (database versions not stated): gnomAD exomes below 0.00001.

Submissions (2):

Labcorp Genetics (formerly Invitae), Labcorp
Classification: Likely benign. Last evaluated: 2022-03-15. Review status: criteria provided, single submitter. Criteria: Invitae Variant Classification Sherloc (09022015). Collection method: clinical testing. Allele origin: germline.

PreventionGenetics, part of Exact Sciences
Classification: Likely benign for USH1G-related condition. Last evaluated: 2019-07-11. Review status: no assertion criteria provided. Collection method: clinical testing. Allele origin: germline. Not counted in ClinVar's aggregate classification.
Comment: This variant is classified as likely benign based on ACMG/AMP sequence variant interpretation guidelines (Richards et al. 2015 PMID: 25741868, with internal and published modifications).

NM_173477.5(USH1G):c.1368G>A (p.Leu456=)

Gene: USH1G (USH1 protein network component sans; minus strand). Cytogenetic location: 17q25.1.
Variant type: single nucleotide variant.
Coding change: c.1368G>A on transcript NM_173477.5 (MANE Select); coding-DNA position 1368, G replaced by A.
Protein change: p.Leu456=; no amino-acid change (leucine 456 retained).
Molecular consequence: synonymous variant.
Genome position (GRCh38, 1-based): chr17:74,919,468, C>T on the plus strand (G>A on the coding strand, the complement: USH1G is on the minus strand). VCF-style: chr17-74919468-C-T. GRCh37 (hg19) VCF-style: chr17-72915563-C-T.
Other names: c.1368G>A (NM_173477.4); c.1059G>A, p.Leu353= (NM_001282489.3).
Identifiers: ClinVar variation 1960235 (VCV001960235.7), dbSNP rs1168731126, ClinGen allele CA502036337.